The following is an entry in ClinVar:

NM_001386298.1(CIC):c.6689G>A (p.Arg2230His)

Gene: CIC (capicua transcriptional repressor; plus strand). Cytogenetic location: 19q13.2.
Variant type: single nucleotide variant.
Coding change: c.6689G>A on transcript NM_001386298.1 (MANE Select); coding-DNA position 6689, G replaced by A.
Protein change: p.Arg2230His; replaces arginine 2230 with histidine.
Molecular consequence: missense variant.
Genome position (GRCh38, 1-based): chr19:42,293,758, G>A. VCF-style: chr19-42293758-G-A. GRCh37 (hg19) VCF-style: chr19-42797910-G-A.
Other names: c.6689G>A, p.Arg2230His (NM_001304815.2, NM_001379482.1, NM_001379483.1); c.6686G>A, p.Arg2229His (NM_001379480.1); c.3962G>A, p.Arg1321His (NM_001379484.1, NM_001379485.1, NM_015125.5); short protein forms R1321H, R2229H, R2230H.
Identifiers: ClinVar variation 2650013 (VCV002650013.24), dbSNP rs367735541, ClinGen allele CA9472795.

ClinVar aggregate classification (germline): Uncertain significance (1 of 4 stars; one submission).

Allele frequency attached by ClinVar (database versions not stated): ExAC 0.00001; gnomAD 0.00001; ESP Exome Variant Server 0.00008.
gnomAD v4.1: 11 of 1,612,706 alleles (0.00068%); highest among the groups gnomAD compares: African/African-American, 0.0027%; no homozygotes.

Submission:

CeGaT Center for Human Genetics Tuebingen
Classification: Uncertain significance. Last evaluated: 2022-11-01. Review status: criteria provided, single submitter. Criteria: CeGaT Center For Human Genetics Tuebingen Variant Classification Criteria Version 2. Collection method: clinical testing. Allele origin: germline. Affected: yes. Observed: 1 variant allele.
Comment: CIC: PM2